The following is an entry in ClinVar:

ClinVar aggregate classification (germline): Uncertain significance (1 of 4 stars; one submission).

Conditions:
Breast-ovarian cancer, familial, susceptibility to, 4. Identifiers: Orphanet 145, MedGen C3280345, MONDO:0013669, OMIM 614291.

gnomAD v4.1: 2 of 1,614,106 alleles (0.00012%); highest among the groups gnomAD compares: South Asian, 0.0022%; no homozygotes.

Submission:

Labcorp Genetics (formerly Invitae), Labcorp
Classification: Uncertain significance for Breast-ovarian cancer, familial, susceptibility to, 4. Last evaluated: 2024-08-03. Review status: criteria provided, single submitter. Criteria: Invitae Variant Classification Sherloc (09022015). Collection method: clinical testing. Allele origin: germline.
Comment: This sequence change replaces serine, which is neutral and polar, with cysteine, which is neutral and slightly polar, at codon 137 of the RAD51D protein (p.Ser137Cys). This variant is not present in population databases (gnomAD no frequency). This variant has not been reported in the literature in individuals affected with RAD51D-related conditions. Advanced modeling of protein sequence and biophysical properties (such as structural, functional, and spatial information, amino acid conservation, physicochemical variation, residue mobility, and thermodynamic stability) performed at Invitae indicates that this missense variant is not expected to disrupt RAD51D protein function with a negative predictive value of 80%. In summary, the available evidence is currently insufficient to determine the role of this variant in disease. Therefore, it has been classified as a Variant of Uncertain Significance.

NM_002878.4(RAD51D):c.410C>G (p.Ser137Cys)

Genes: RAD51L3-RFFL (RAD51L3-RFFL readthrough; minus strand), RAD51D (RAD51 paralog D; minus strand). Cytogenetic location: 17q12.
Variant type: single nucleotide variant.
Coding change: c.410C>G on transcript NM_002878.4 (MANE Select); coding-DNA position 410, C replaced by G.
Protein change: p.Ser137Cys; replaces serine 137 with cysteine.
Molecular consequence: missense variant. On other transcripts: non-coding transcript variant (1), intron variant (1).
Genome position (GRCh38, 1-based): chr17:35,107,058, G>C on the plus strand (C>G on the coding strand, the complement: RAD51D is on the minus strand). VCF-style: chr17-35107058-G-C. GRCh37 (hg19) VCF-style: chr17-33434077-G-C.
Other names: c.470C>G, p.Ser157Cys (NM_001142571.2); c.145-577C>G (NM_133629.3); short protein forms S137C, S157C.
Identifiers: ClinVar variation 3661297 (VCV003661297.2).
Genomic context (GRCh38, chr17:35,107,058, plus strand): 5'-TCATCCTGGGTTTTAGCCTGAAGCAGCTGGAGGAGGCGGGAAGCTGTCAGCCCTCCATTG[G>C]AATCTACATATAGGACGTTTTGCTGCAGGCCATGGGCCACATTTGCTGCCATACAGAGAC-3'
Protein context (NP_002869.3, residues 127-147): GLQQNVLYVD[Ser137Cys]NGGLTASRLL